The following is an entry in ClinVar:

NM_005732.4(RAD50):c.3619-2A>G

Genes: TH2-LCR (Th2 cytokine locus control region; plus strand), RAD50 (RAD50 double strand break repair protein; plus strand), TH2LCRR (T helper type 2 locus control region associated RNA; minus strand). Cytogenetic location: 5q31.1.
Variant type: single nucleotide variant.
Coding change: c.3619-2A>G on transcript NM_005732.4 (MANE Select); the canonical splice acceptor site of the intron before coding-DNA position 3619, A replaced by G.
Molecular consequence: splice acceptor variant.
Genome position (GRCh38, 1-based): chr5:132,640,670, A>G. VCF-style: chr5-132640670-A-G. GRCh37 (hg19) VCF-style: chr5-131976362-A-G.
Identifiers: ClinVar variation 1733290 (VCV001733290.2), dbSNP rs2149865515, ClinGen allele CA360933384.

ClinVar aggregate classification (germline): Likely pathogenic (1 of 4 stars; one submission).

Conditions:
Hereditary cancer-predisposing syndrome. Also called: Neoplastic Syndromes, Hereditary; Tumor predisposition; Hereditary Cancer Syndrome; Hereditary neoplastic syndrome. Identifiers: Orphanet 140162, MedGen C0027672, MeSH D009386, MONDO:0015356.

Submission:

Ambry Genetics
Classification: Likely pathogenic for Hereditary cancer-predisposing syndrome. Last evaluated: 2021-12-07. Review status: criteria provided, single submitter. Criteria: Ambry Variant Classification Scheme 2023. Collection method: clinical testing. Allele origin: germline.
Comment: The c.3619-2A>G intronic variant results from an A to G substitution two nucleotides upstream from coding exon 24 in the RAD50 gene. This nucleotide position is highly conserved in available vertebrate species. In silico splice site analysis predicts that this alteration will weaken the native splice acceptor site and will result in the creation or strengthening of a novel splice acceptor site; however, direct evidence is insufficient at this time (Ambry internal data). This variant is considered to be rare based on population cohorts in the Genome Aggregation Database (gnomAD). Alterations that disrupt the canonical splice site are expected to cause aberrant splicing, resulting in an abnormal protein or a transcript that is subject to nonsense-mediated mRNA decay. As such, this alteration is classified as likely pathogenic.